The following is an entry in ClinVar:

NM_032043.3(BRIP1):c.2893A>G (p.Arg965Gly)

Gene: BRIP1 (BRCA1 interacting DNA helicase 1; minus strand). Cytogenetic location: 17q23.2.
Variant type: single nucleotide variant.
Coding change: c.2893A>G on transcript NM_032043.3 (MANE Select); coding-DNA position 2893, A replaced by G.
Protein change: p.Arg965Gly; replaces arginine 965 with glycine.
Molecular consequence: missense variant.
Genome position (GRCh38, 1-based): chr17:61,685,848, T>C on the plus strand (A>G on the coding strand, the complement: BRIP1 is on the minus strand). VCF-style: chr17-61685848-T-C. GRCh37 (hg19) VCF-style: chr17-59763209-T-C.
Other names: short protein forms R965G.
Identifiers: ClinVar variation 1797326 (VCV001797326.7), dbSNP rs113697814, ClinGen allele CA292268028.

ClinVar aggregate classification (germline): Uncertain significance. Review status: criteria provided, multiple submitters, no conflicts (2 of 4 stars). 3 submissions from 3 submitters: Uncertain significance (3). Last evaluated 2025-03-31.

Conditions:
Familial cancer of breast. Also called: BREAST CANCER, FAMILIAL; hereditary breast carcinoma; Hereditary breast cancer. Identifiers: Orphanet 227535, MedGen C0346153, MONDO:0016419, OMIM 114480. Disease mechanism: loss of function.
Fanconi anemia complementation group J. Also called: BRIP1-Related Fanconi Anemia. Identifiers: Orphanet 84, MedGen C1836860, MONDO:0012187, OMIM 609054.
Hereditary cancer-predisposing syndrome. Also called: Neoplastic Syndromes, Hereditary; Tumor predisposition; Hereditary neoplastic syndrome; Hereditary Cancer Syndrome. Identifiers: Orphanet 140162, MedGen C0027672, MeSH D009386, MONDO:0015356.

Submissions (3):

Labcorp Genetics (formerly Invitae), Labcorp
Classification: Uncertain significance for Familial cancer of breast; Fanconi anemia complementation group J. Last evaluated: 2025-03-31. Review status: criteria provided, single submitter. Criteria: Invitae Variant Classification Sherloc (09022015). Collection method: clinical testing. Allele origin: germline.
Comment: This sequence change replaces arginine, which is basic and polar, with glycine, which is neutral and non-polar, at codon 965 of the BRIP1 protein (p.Arg965Gly). This variant is not present in population databases (gnomAD no frequency). This variant has not been reported in the literature in individuals affected with BRIP1-related conditions. ClinVar contains an entry for this variant (Variation ID: 1797326). Invitae Evidence Modeling of protein sequence and biophysical properties (such as structural, functional, and spatial information, amino acid conservation, physicochemical variation, residue mobility, and thermodynamic stability) indicates that this missense variant is not expected to disrupt BRIP1 protein function with a negative predictive value of 95%. In summary, the available evidence is currently insufficient to determine the role of this variant in disease. Therefore, it has been classified as a Variant of Uncertain Significance.

Ambry Genetics
Classification: Uncertain significance for Hereditary cancer-predisposing syndrome. Last evaluated: 2025-02-05. Review status: criteria provided, single submitter. Criteria: Ambry Variant Classification Scheme 2023. Collection method: clinical testing. Allele origin: germline.
Comment: The p.R965G variant (also known as c.2893A>G), located in coding exon 18 of the BRIP1 gene, results from an A to G substitution at nucleotide position 2893. The arginine at codon 965 is replaced by glycine, an amino acid with dissimilar properties. This amino acid position is conserved. In addition, this alteration is predicted to be tolerated by in silico analysis. Since supporting evidence is limited at this time, the clinical significance of this alteration remains unclear.

Baylor Genetics
Classification: Uncertain significance for Familial cancer of breast. Last evaluated: 2023-10-06. Review status: criteria provided, single submitter. Criteria: ACMG Guidelines, 2015. Collection method: clinical testing. Allele origin: unknown.